The following is an entry in ClinVar:

ClinVar aggregate classification (germline): Uncertain significance (1 of 4 stars; one submission).

Conditions:
Hereditary spastic paraplegia 7 (SPG7). Also called: SPASTIC PARAPLEGIA 7, AUTOSOMAL RECESSIVE, WITH OR WITHOUT CEREBELLAR ATAXIA; Spastic paraplegia 7; Hereditary spastic paraplegia Paraplegin type; Autosomal recessive spastic paraplegia type 7; SPG7-related neurologic disorder. Identifiers: Orphanet 99013, MedGen C1846564, MONDO:0011803, OMIM 607259.

Allele frequency attached by ClinVar (database versions not stated): 1000 Genomes Project 30x 0.00016; 1000 Genomes Project 0.00020; gnomAD exomes 0.00001 and 0.00003; ExAC 0.00002; TOPMed 0.00002; gnomAD 0.00004.

Submission:

Labcorp Genetics (formerly Invitae), Labcorp
Classification: Uncertain significance for Hereditary spastic paraplegia 7. Last evaluated: 2021-11-26. Review status: criteria provided, single submitter. Criteria: Invitae Variant Classification Sherloc (09022015). Collection method: clinical testing. Allele origin: germline.
Comment: This variant has not been reported in the literature in individuals affected with SPG7-related conditions. This variant is present in population databases (rs533584901, gnomAD 0.006%). This sequence change falls in intron 7 of the SPG7 gene. It does not directly change the encoded amino acid sequence of the SPG7 protein. It affects a nucleotide within the consensus splice site. Variants that disrupt the consensus splice site are a relatively common cause of aberrant splicing (PMID: 17576681, 9536098). Algorithms developed to predict the effect of sequence changes on RNA splicing suggest that this variant is not likely to affect RNA splicing. In summary, the available evidence is currently insufficient to determine the role of this variant in disease. Therefore, it has been classified as a Variant of Uncertain Significance.

Literature cited by the submitters: PubMed 17576681; PubMed 9536098.

NM_003119.4(SPG7):c.988-3C>T

Gene: SPG7 (SPG7 matrix AAA peptidase subunit, paraplegin; plus strand). Cytogenetic location: 16q24.3.
Variant type: single nucleotide variant.
Coding change: c.988-3C>T on transcript NM_003119.4 (MANE Select); 3 bases into the intron before coding-DNA position 988, C replaced by T.
Molecular consequence: intron variant.
Genome position (GRCh38, 1-based): chr16:89,531,901, C>T. VCF-style: chr16-89531901-C-T. GRCh37 (hg19) VCF-style: chr16-89598309-C-T.
Other names: c.988-3C>T (NM_001363850.1, NM_199367.3).
Identifiers: ClinVar variation 1514906 (VCV001514906.6), dbSNP rs533584901, ClinGen allele CA8243896.
Genomic context (GRCh38, chr16:89,531,901, plus strand): 5'-CTCTAAAAAACAAAAAAACGGAATCCCCAAGTAGTTAGTGTTGCATTGTCTGCTGCCGTC[C>T]AGAGCCCAGAACGCTTCCTCCAGCTTGGCGCCAAGGTCCCAAAGGGCGCACTGCTGCTCG-3'